The following is an entry in ClinVar:

NM_080680.3(COL11A2):c.2780T>C (p.Val927Ala)

Gene: COL11A2 (collagen type XI alpha 2 chain; minus strand). Cytogenetic location: 6p21.32.
Variant type: single nucleotide variant.
Coding change: c.2780T>C on transcript NM_080680.3 (MANE Select); coding-DNA position 2780, T replaced by C.
Protein change: p.Val927Ala; replaces valine 927 with alanine.
Molecular consequence: missense variant.
Genome position (GRCh38, 1-based): chr6:33,173,070, A>G on the plus strand (T>C on the coding strand, the complement: COL11A2 is on the minus strand). VCF-style: chr6-33173070-A-G. GRCh37 (hg19) VCF-style: chr6-33140847-A-G.
Other names: c.2600T>C, p.Val867Ala (NM_001424108.1); c.1934T>C, p.Val645Ala (NM_001424109.1); c.1754T>C, p.Val585Ala (NM_001424110.1, NM_001424111.1); c.734T>C, p.Val245Ala (NM_001424112.1); c.2459T>C, p.Val820Ala (NM_080679.3); c.2522T>C, p.Val841Ala (NM_080681.3); short protein forms V245A, V585A, V645A, V820A, V841A, V867A, V927A.
Identifiers: ClinVar variation 3622092 (VCV003622092.2).

ClinVar aggregate classification (germline): Uncertain significance (1 of 4 stars; one submission).

gnomAD v4.1: 1 of 1,612,442 alleles (0.000062%); highest among the groups gnomAD compares: African/African-American, 0.0013%; no homozygotes.

Submission:

Labcorp Genetics (formerly Invitae), Labcorp
Classification: Uncertain significance. Last evaluated: 2024-09-22. Review status: criteria provided, single submitter. Criteria: Invitae Variant Classification Sherloc (09022015). Collection method: clinical testing. Allele origin: germline.
Comment: This sequence change replaces valine, which is neutral and non-polar, with alanine, which is neutral and non-polar, at codon 927 of the COL11A2 protein (p.Val927Ala). This variant is not present in population databases (gnomAD no frequency). This variant has not been reported in the literature in individuals affected with COL11A2-related conditions. Invitae Evidence Modeling of protein sequence and biophysical properties (such as structural, functional, and spatial information, amino acid conservation, physicochemical variation, residue mobility, and thermodynamic stability) indicates that this missense variant is not expected to disrupt COL11A2 protein function with a negative predictive value of 95%. In summary, the available evidence is currently insufficient to determine the role of this variant in disease. Therefore, it has been classified as a Variant of Uncertain Significance.